The following is an entry in ClinVar:

ClinVar aggregate classification (germline): Uncertain significance. Review status: criteria provided, multiple submitters, no conflicts (2 of 4 stars). 2 submissions from 2 submitters: Uncertain significance (2). Last evaluated 2025-04-29.

Conditions:
Inborn genetic diseases. Identifiers: MedGen C0950123, MeSH D030342.

gnomAD v4.1: 10 of 1,614,056 alleles (0.00062%); highest among the groups gnomAD compares: Admixed American, 0.012%; no homozygotes.

Submissions (2):

Ambry Genetics
Classification: Uncertain significance for Inborn genetic diseases. Last evaluated: 2025-04-29. Review status: criteria provided, single submitter. Criteria: Ambry Variant Classification Scheme 2023. Collection method: clinical testing. Allele origin: germline.

Labcorp Genetics (formerly Invitae), Labcorp
Classification: Uncertain significance. Last evaluated: 2025-04-21. Review status: criteria provided, single submitter. Criteria: Invitae Variant Classification Sherloc (09022015). Collection method: clinical testing. Allele origin: germline.
Comment: This sequence change replaces glutamic acid, which is acidic and polar, with lysine, which is basic and polar, at codon 2391 of the FREM2 protein (p.Glu2391Lys). This variant is present in population databases (rs780938547, gnomAD 0.01%). This variant has not been reported in the literature in individuals affected with FREM2-related conditions. ClinVar contains an entry for this variant (Variation ID: 3713283). Invitae Evidence Modeling of protein sequence and biophysical properties (such as structural, functional, and spatial information, amino acid conservation, physicochemical variation, residue mobility, and thermodynamic stability) indicates that this missense variant is not expected to disrupt FREM2 protein function with a negative predictive value of 80%. In summary, the available evidence is currently insufficient to determine the role of this variant in disease. Therefore, it has been classified as a Variant of Uncertain Significance.

NM_207361.6(FREM2):c.7171G>A (p.Glu2391Lys)

Gene: FREM2 (FRAS1 related extracellular matrix 2; plus strand). Cytogenetic location: 13q13.3.
Variant type: single nucleotide variant.
Coding change: c.7171G>A on transcript NM_207361.6 (MANE Select); coding-DNA position 7171, G replaced by A.
Protein change: p.Glu2391Lys; replaces glutamic acid 2391 with lysine.
Molecular consequence: missense variant.
Genome position (GRCh38, 1-based): chr13:38,857,989, G>A. VCF-style: chr13-38857989-G-A. GRCh37 (hg19) VCF-style: chr13-39432126-G-A.
Other names: c.7171G>A (NM_207361.4); short protein forms E2391K.
Identifiers: ClinVar variation 3713283 (VCV003713283.3).